The following is an entry in ClinVar:

ClinVar aggregate classification (germline): Conflicting classifications of pathogenicity. Review status: criteria provided, conflicting classifications (1 of 4 stars). 2 submissions from 2 submitters: Uncertain significance (1); Benign (1). Last evaluated 2025-11-04.

Conditions:
Hereditary cancer-predisposing syndrome. Also called: Tumor predisposition; Hereditary neoplastic syndrome; Neoplastic Syndromes, Hereditary; Hereditary Cancer Syndrome. Identifiers: Orphanet 140162, MedGen C0027672, MeSH D009386, MONDO:0015356.
BAP1-related tumor predisposition syndrome (TPDS1). Also called: Tumor susceptibility linked to germline BAP1 mutations; BAP1 tumor predisposition syndrome; TUMOR PREDISPOSITION SYNDROME 1; COMMON Syndrome. Identifiers: Orphanet 289539, MedGen C3280492, MONDO:0013692, OMIM 614327.

Allele frequency attached by ClinVar (database versions not stated): gnomAD exomes below 0.00001; TOPMed 0.00001.
gnomAD v4.1: 2 of 1,614,018 alleles (0.00012%); highest among the groups gnomAD compares: Admixed American, 0.0033%; no homozygotes.

Submissions (2):

Ambry Genetics
Classification: Benign for Hereditary cancer-predisposing syndrome. Last evaluated: 2025-11-04. Review status: criteria provided, single submitter. Criteria: Ambry Variant Classification Scheme 2023. Collection method: clinical testing. Allele origin: germline.

Labcorp Genetics (formerly Invitae), Labcorp
Classification: Uncertain significance for BAP1-related tumor predisposition syndrome. Last evaluated: 2023-05-22. Review status: criteria provided, single submitter. Criteria: Invitae Variant Classification Sherloc (09022015). Collection method: clinical testing. Allele origin: germline.
Comment: In summary, the available evidence is currently insufficient to determine the role of this variant in disease. Therefore, it has been classified as a Variant of Uncertain Significance. Advanced modeling of protein sequence and biophysical properties (such as structural, functional, and spatial information, amino acid conservation, physicochemical variation, residue mobility, and thermodynamic stability) performed at Invitae indicates that this missense variant is not expected to disrupt BAP1 protein function. ClinVar contains an entry for this variant (Variation ID: 2202566). This variant has not been reported in the literature in individuals affected with BAP1-related conditions. This variant is present in population databases (no rsID available, gnomAD 0.006%). This sequence change replaces histidine, which is basic and polar, with tyrosine, which is neutral and polar, at codon 326 of the BAP1 protein (p.His326Tyr).

Literature cited by the submitters: PubMed 38969833 (cited by Ambry Genetics).

NM_004656.4(BAP1):c.976C>T (p.His326Tyr)

Gene: BAP1 (BRCA1 associated deubiquitinase 1; minus strand). Cytogenetic location: 3p21.1.
Variant type: single nucleotide variant.
Coding change: c.976C>T on transcript NM_004656.4 (MANE Select); coding-DNA position 976, C replaced by T.
Protein change: p.His326Tyr; replaces histidine 326 with tyrosine.
Molecular consequence: missense variant.
Genome position (GRCh38, 1-based): chr3:52,405,250, G>A on the plus strand (C>T on the coding strand, the complement: BAP1 is on the minus strand). VCF-style: chr3-52405250-G-A. GRCh37 (hg19) VCF-style: chr3-52439266-G-A.
Other names: c.922C>T, p.His308Tyr (NM_001410772.1); short protein forms H326Y, H308Y.
Identifiers: ClinVar variation 2202566 (VCV002202566.6), dbSNP rs1343829959, ClinGen allele CA353106148.